The following is an entry in ClinVar:

ClinVar aggregate classification (germline): Benign/Likely benign. Review status: criteria provided, multiple submitters, no conflicts (2 of 4 stars). 7 submissions from 7 submitters: Benign (6); Likely benign (1). Last evaluated 2026-01-28.

Conditions:
Inborn genetic diseases. Identifiers: MedGen C0950123, MeSH D030342.
Charcot-Marie-Tooth disease axonal type 2P. Also called: CHARCOT-MARIE-TOOTH NEUROPATHY, TYPE 2P; Charcot-Marie-Tooth Neuropathy Type 2G; CHARCOT-MARIE-TOOTH DISEASE, AXONAL, TYPE 2G; CMT 2G. Identifiers: Orphanet 300319, Orphanet 99941, MedGen C3280797, MONDO:0013753, OMIM 614436.
Charcot-Marie-Tooth disease. Also called: Charcot-Marie-Tooth Neuropathy; Charcot-Marie-Tooth Hereditary Neuropathy. Identifiers: Orphanet 166, MedGen C0007959, MONDO:0015626.

Allele frequency attached by ClinVar (database versions not stated): gnomAD exomes 0.00053 and 0.00120; ExAC 0.00192; ESP Exome Variant Server 0.00438; 1000 Genomes Project 0.00479; 1000 Genomes Project 30x 0.00484; gnomAD 0.00527 and 0.00573; TOPMed 0.00595.
gnomAD v4.1: 1,583 of 1,609,588 alleles (0.098%); highest among the groups gnomAD compares: African/African-American, 1.9%; 28 homozygotes.

Submissions (7):

Labcorp Genetics (formerly Invitae), Labcorp
Classification: Benign for Charcot-Marie-Tooth disease axonal type 2P. Last evaluated: 2026-01-28. Review status: criteria provided, single submitter. Criteria: Invitae Variant Classification Sherloc (09022015). Collection method: clinical testing. Allele origin: germline.

Mayo Clinic Laboratories, Mayo Clinic
Classification: Benign. Last evaluated: 2020-02-04. Review status: criteria provided, single submitter. Criteria: ACMG Guidelines, 2015. Collection method: clinical testing. Allele origin: germline. Observed: 8 variant alleles.

Ambry Genetics
Classification: Likely benign for Inborn genetic diseases. Last evaluated: 2019-07-11. Review status: criteria provided, single submitter. Criteria: Ambry Variant Classification Scheme 2023. Collection method: clinical testing. Allele origin: germline.

Illumina Laboratory Services, Illumina
Classification: Benign for Charcot-Marie-Tooth disease axonal type 2P. Last evaluated: 2018-01-13. Review status: criteria provided, single submitter. Criteria: ICSL Variant Classification Criteria 13 December 2019. Collection method: clinical testing. Allele origin: germline.
Comment: This variant was observed in the ICSL laboratory as part of a predisposition screen in an ostensibly healthy population. It had not been previously curated by ICSL or reported in the Human Gene Mutation Database (HGMD: prior to June 1st, 2018), and was therefore a candidate for classification through an automated scoring system. Utilizing variant allele frequency, disease prevalence and penetrance estimates, and inheritance mode, an automated score was calculated to assess if this variant is too frequent to cause the disease. Based on the score and internal cut-off values, a variant classified as benign is not then subjected to further curation. The score for this variant resulted in a classification of benign for this disease.

GeneDx
Classification: Benign. Last evaluated: 2015-03-03. Review status: criteria provided, single submitter. Criteria: GeneDx Variant Classification Process June 2021. Collection method: clinical testing. Allele origin: germline. Affected: yes.

Breakthrough Genomics
Classification: Benign. Review status: criteria provided, single submitter. Criteria: ACMG Guidelines, 2015. Collection method: not provided. Allele origin: germline. Inheritance: Autosomal dominant inheritance. Affected: yes.

Molecular Genetics Laboratory, London Health Sciences Centre
Classification: Benign for Charcot-Marie-Tooth disease. Review status: criteria provided, single submitter. Criteria: ACMG Guidelines, 2015. Collection method: clinical testing. Allele origin: germline. Affected: yes.

NM_001005373.4(LRSAM1):c.1368G>A (p.Ala456=)

Gene: LRSAM1 (leucine rich repeat and sterile alpha motif containing 1; plus strand). Cytogenetic location: 9q33.3.
Variant type: single nucleotide variant.
Coding change: c.1368G>A on transcript NM_001005373.4 (MANE Select); coding-DNA position 1368, G replaced by A.
Protein change: p.Ala456=; no amino-acid change (alanine 456 retained).
Molecular consequence: synonymous variant. On other transcripts: non-coding transcript variant (2).
Genome position (GRCh38, 1-based): chr9:127,489,464, G>A. VCF-style: chr9-127489464-G-A. GRCh37 (hg19) VCF-style: chr9-130251743-G-A.
Other names: p.Ala456=; c.1368G>A (NM_138361.4); c.1368G>A, p.Ala456= (NM_001005374.4, NM_001190723.3, NM_001384142.1 and 2 more transcripts); c.579G>A, p.Ala193= (NM_001384144.1).
Identifiers: ClinVar variation 365028 (VCV000365028.21), dbSNP rs34426300, ClinGen allele CA5246962.